The following is an entry in ClinVar:

ClinVar aggregate classification (germline): Pathogenic (1 of 4 stars; one submission).

gnomAD v4.1: 1 of 1,611,984 alleles (0.000062%); highest among the groups gnomAD compares: Non-Finnish European, 0.000085%; no homozygotes.

Submission:

Labcorp Genetics (formerly Invitae), Labcorp
Classification: Pathogenic. Last evaluated: 2020-04-05. Review status: criteria provided, single submitter. Criteria: Invitae Variant Classification Sherloc (09022015). Collection method: clinical testing. Allele origin: germline.
Comment: For these reasons, this variant has been classified as Pathogenic. Loss-of-function variants in MYO7A are known to be pathogenic (PMID: 8900236, 25404053). This variant has not been reported in the literature in individuals with MYO7A-related conditions. This variant is not present in population databases (ExAC no frequency). This sequence change creates a premature translational stop signal (p.Glu19*) in the MYO7A gene. It is expected to result in an absent or disrupted protein product.

Literature cited by the submitters: PubMed 8900236; PubMed 25404053.

NM_000260.4(MYO7A):c.55G>T (p.Glu19Ter)

Gene: MYO7A (myosin VIIA; plus strand). Cytogenetic location: 11q13.5.
Variant type: single nucleotide variant.
Coding change: c.55G>T on transcript NM_000260.4 (MANE Select); coding-DNA position 55, G replaced by T.
Protein change: p.Glu19Ter; replaces glutamic acid 19 with a stop codon.
Molecular consequence: nonsense.
Genome position (GRCh38, 1-based): chr11:77,142,745, G>T. VCF-style: chr11-77142745-G-T. GRCh37 (hg19) VCF-style: chr11-76853791-G-T.
Other names: c.55G>T, p.Glu19Ter (NM_001127180.2); c.22G>T, p.Glu8Ter (NM_001369365.1); short protein forms E19*, E8*.
Identifiers: ClinVar variation 1073698 (VCV001073698.7), dbSNP rs781869170, ClinGen allele CA381947615.